The following is an entry in ClinVar:

ClinVar aggregate classification (germline): Uncertain significance (1 of 4 stars; one submission).

Allele frequency attached by ClinVar (database versions not stated): gnomAD exomes below 0.00001.
gnomAD v4.1: 1 of 1,608,932 alleles (0.000062%); highest among the groups gnomAD compares: Non-Finnish European, 0.000085%; no homozygotes.

Submission:

Labcorp Genetics (formerly Invitae), Labcorp
Classification: Uncertain significance. Last evaluated: 2022-04-10. Review status: criteria provided, single submitter. Criteria: Invitae Variant Classification Sherloc (09022015). Collection method: clinical testing. Allele origin: germline.
Comment: This sequence change replaces aspartic acid, which is acidic and polar, with asparagine, which is neutral and polar, at codon 714 of the ARHGEF1 protein (p.Asp714Asn). This variant is not present in population databases (gnomAD no frequency). This variant has not been reported in the literature in individuals affected with ARHGEF1-related conditions. Algorithms developed to predict the effect of missense changes on protein structure and function are either unavailable or do not agree on the potential impact of this missense change (SIFT: "Deleterious"; PolyPhen-2: "Probably Damaging"; Align-GVGD: "Class C0"). In summary, the available evidence is currently insufficient to determine the role of this variant in disease. Therefore, it has been classified as a Variant of Uncertain Significance.

NM_004706.4(ARHGEF1):c.2095G>A (p.Asp699Asn)

Gene: ARHGEF1 (Rho guanine nucleotide exchange factor 1; plus strand). Cytogenetic location: 19q13.2.
Variant type: single nucleotide variant.
Coding change: c.2095G>A on transcript NM_004706.4 (MANE Select); coding-DNA position 2095, G replaced by A.
Protein change: p.Asp699Asn; replaces aspartic acid 699 with asparagine.
Molecular consequence: missense variant. On other transcripts: non-coding transcript variant (2).
Genome position (GRCh38, 1-based): chr19:41,904,317, G>A. VCF-style: chr19-41904317-G-A. GRCh37 (hg19) VCF-style: chr19-42408469-G-A.
Other names: c.2263G>A, p.Asp755Asn (NM_001396000.1); c.1996G>A, p.Asp666Asn (NM_001396002.1, NM_001396004.1, NM_198977.2); c.2095G>A, p.Asp699Asn (NM_001396003.1, NM_001396006.1); c.2140G>A, p.Asp714Asn (NM_199002.2); short protein forms D699N, D714N, D666N, D755N.
Identifiers: ClinVar variation 1977310 (VCV001977310.2), dbSNP rs1555849676, ClinGen allele CA406064697.